The following is an entry in ClinVar:

ClinVar aggregate classification (germline): Conflicting classifications of pathogenicity. Review status: criteria provided, conflicting classifications (1 of 4 stars). 4 submissions from 4 submitters: Uncertain significance (2); Benign (1); Likely benign (1). Last evaluated 2026-08-04.

Conditions:
Hereditary cancer-predisposing syndrome. Also called: Neoplastic Syndromes, Hereditary; Hereditary neoplastic syndrome; Hereditary Cancer Syndrome; Tumor predisposition. Identifiers: Orphanet 140162, MedGen C0027672, MeSH D009386, MONDO:0015356.
Cardiovascular phenotype. Identifiers: MedGen CN230736.
Neurofibromatosis, type 1 (NF1). Also called: VON RECKLINGHAUSEN DISEASE; Neurofibromatosis, type I; Peripheral type neurofibromatosis; NEUROFIBROMATOSIS, TYPE I, SOMATIC. Identifiers: Orphanet 636, MedGen C0027831, MONDO:0018975, OMIM 162200. Disease mechanism: loss of function.

Allele frequency attached by ClinVar (database versions not stated): gnomAD exomes below 0.00001; ExAC 0.00001.
gnomAD v4.1: 8 of 1,613,970 alleles (0.0005%); highest among the groups gnomAD compares: East Asian, 0.018%; no homozygotes.

Submissions (4):

Ambry Genetics
Classification: Likely benign for Cardiovascular phenotype; Hereditary cancer-predisposing syndrome. Last evaluated: 2026-08-04. Review status: criteria provided, single submitter. Criteria: Ambry Variant Classification Scheme 2023. Collection method: clinical testing. Allele origin: germline.

Labcorp Genetics (formerly Invitae), Labcorp
Classification: Benign for Neurofibromatosis, type 1. Last evaluated: 2025-11-24. Review status: criteria provided, single submitter. Criteria: Invitae Variant Classification Sherloc (09022015). Collection method: clinical testing. Allele origin: germline.

Genome-Nilou Lab
Classification: Uncertain significance for Neurofibromatosis, type 1. Last evaluated: 2022-03-15. Review status: criteria provided, single submitter. Criteria: ACMG Guidelines, 2015. Collection method: clinical testing. Allele origin: germline. Affected: no.

Sema4
Classification: Uncertain significance for Hereditary cancer-predisposing syndrome. Last evaluated: 2022-02-16. Review status: criteria provided, single submitter. Criteria: Sema4 Curation Guidelines. Collection method: curation. Allele origin: germline.
Comment: The NF1 c.7711C>A (p.H2571N) variant has been reported in a large case-control study of breast cancer in 0/60466 cases and 1/53461 controls (PMID: 33471991). It has also been reported in another case-control study of breast cancer in 1/7051 cases and 4/11241 controls (PMID: 30287823). It was observed in 1/251168 chromosomes across all populations, in the large and broad cohorts of the Genome Aggregation Database (PMID: 32461654). This variant has been reported in ClinVar (Variation ID 480182). Functional studies have not been performed, and in silico predictions of the variant's effect on protein function are inconclusive. The evidence is insufficient to meet ACMG/AMP criteria for classifying the variant as benign or pathogenic. Thus, the clinical significance of this variant is currently uncertain.

Literature cited by the submitters: PubMed 30287823 (cited by Ambry Genetics and Sema4); PubMed 33471991 (cited by Sema4).

NM_001042492.3(NF1):c.7774C>A (p.His2592Asn)

Gene: NF1 (neurofibromin 1; plus strand). Cytogenetic location: 17q11.2.
Variant type: single nucleotide variant.
Coding change: c.7774C>A on transcript NM_001042492.3 (MANE Select); coding-DNA position 7774, C replaced by A.
Protein change: p.His2592Asn; replaces histidine 2592 with asparagine.
Molecular consequence: missense variant.
Genome position (GRCh38, 1-based): chr17:31,356,995, C>A. VCF-style: chr17-31356995-C-A. GRCh37 (hg19) VCF-style: chr17-29684013-C-A.
Other names: c.7711C>A, p.His2571Asn (NM_000267.4); short protein forms H2592N, H2571N.
Identifiers: ClinVar variation 480182 (VCV000480182.15), dbSNP rs749460130, ClinGen allele CA8487662.
Genomic context (GRCh38, chr17:31,356,995, plus strand): 5'-ACGTTAATTCCCTATCTTGCTGCAGAAACTCAGAGGATTTCCTCATCACAACAGCACCCA[C>A]ATTTACGTAAAGTTTCAGTGTCTGAATCAAATGTTCTCTTGGATGAAGAAGTACTTACTG-3'
Protein context (NP_001035957.1, residues 2582-2602): QRISSSQQHP[His2592Asn]LRKVSVSESN